The following is an entry in ClinVar:

NM_005472.5(KCNE3):c.215T>G (p.Val72Gly)

Gene: KCNE3 (potassium voltage-gated channel subfamily E regulatory subunit 3; minus strand). Cytogenetic location: 11q13.4.
Variant type: single nucleotide variant.
Coding change: c.215T>G on transcript NM_005472.5 (MANE Select); coding-DNA position 215, T replaced by G.
Protein change: p.Val72Gly; replaces valine 72 with glycine.
Molecular consequence: missense variant.
Genome position (GRCh38, 1-based): chr11:74,457,349, A>C on the plus strand (T>G on the coding strand, the complement: KCNE3 is on the minus strand). VCF-style: chr11-74457349-A-C. GRCh37 (hg19) VCF-style: chr11-74168394-A-C.
Other names: short protein forms V72G.
Identifiers: ClinVar variation 191468 (VCV000191468.8), dbSNP rs202036216, ClinGen allele CA236736.

ClinVar aggregate classification (germline): Uncertain significance. Review status: criteria provided, multiple submitters, no conflicts (2 of 4 stars). 4 submissions from 4 submitters: Uncertain significance (4). Last evaluated 2025-03-30.

Conditions:
Cardiovascular phenotype. Identifiers: MedGen CN230736.
Brugada syndrome 6 (BRGDA6). Identifiers: Orphanet 130, MedGen C2751089, MONDO:0013145, OMIM 613119.

Allele frequency attached by ClinVar (database versions not stated): gnomAD exomes below 0.00001.

Submissions (4):

Labcorp Genetics (formerly Invitae), Labcorp
Classification: Uncertain significance for Brugada syndrome 6. Last evaluated: 2025-03-30. Review status: criteria provided, single submitter. Criteria: Invitae Variant Classification Sherloc (09022015). Collection method: clinical testing. Allele origin: germline.
Comment: This sequence change replaces valine, which is neutral and non-polar, with glycine, which is neutral and non-polar, at codon 72 of the KCNE3 protein (p.Val72Gly). This variant is not present in population databases (gnomAD no frequency). This variant has not been reported in the literature in individuals affected with KCNE3-related conditions. ClinVar contains an entry for this variant (Variation ID: 191468). An algorithm developed to predict the effect of missense changes on protein structure and function (PolyPhen-2) suggests that this variant is likely to be disruptive. In summary, the available evidence is currently insufficient to determine the role of this variant in disease. Therefore, it has been classified as a Variant of Uncertain Significance.

Ambry Genetics
Classification: Uncertain significance for Cardiovascular phenotype. Last evaluated: 2024-06-19. Review status: criteria provided, single submitter. Criteria: Ambry Variant Classification Scheme 2023. Collection method: clinical testing. Allele origin: germline.
Comment: The p.V72G variant (also known as c.215T>G), located in coding exon 1 of the KCNE3 gene, results from a T to G substitution at nucleotide position 215. The valine at codon 72 is replaced by glycine, an amino acid with dissimilar properties. This amino acid position is highly conserved in available vertebrate species. In addition, this alteration is predicted to be deleterious by in silico analysis. The evidence for this gene-disease relationship is limited; therefore, the clinical significance of this alteration is unclear.

Fulgent Genetics
Classification: Uncertain significance for Brugada syndrome 6. Last evaluated: 2021-09-29. Review status: criteria provided, single submitter. Criteria: ACMG Guidelines, 2015. Collection method: clinical testing. Allele origin: unknown.

Biesecker Lab/Clinical Genomics Section, National Institutes of Health
Classification: Uncertain significance. Last evaluated: 2013-06-24. Review status: criteria provided, single submitter. Criteria: Ng et al. (Circ Cardiovasc Genet. 2013). Collection method: research. Allele origin: unknown. Observed: 1 variant allele. Study: ClinSeq.
Comment: The study set was not selected for affection status in relation to any cancer. Pathogenicity categories were based on literature curation. See Pubmed ID:23861362 for details.

Medical sequencing